The following is an entry in ClinVar:

ClinVar aggregate classification (germline): Likely benign. Review status: reviewed by expert panel (3 of 4 stars). 6 submissions from 6 submitters: Likely benign (1). 5 of the submissions do not count toward it. Last evaluated 2017-06-29.

Conditions:
Hereditary cancer-predisposing syndrome. Also called: Tumor predisposition; Neoplastic Syndromes, Hereditary; Hereditary Cancer Syndrome; Hereditary neoplastic syndrome. Identifiers: Orphanet 140162, MedGen C0027672, MeSH D009386, MONDO:0015356.
Hereditary breast ovarian cancer syndrome. Also called: Hereditary breast and ovarian cancer syndrome (HBOC); Hereditary breast and ovarian cancer syndrome; Hereditary breast and ovarian cancer; Hereditary breast and/or ovarian cancer syndrome; Breast and ovarian cancer; BRCA1- and BRCA2-Associated Hereditary Breast and Ovarian Cancer. Identifiers: Orphanet 145, MedGen C0677776, MeSH D061325, MONDO:0003582. Disease mechanism: loss of function.
Breast-ovarian cancer, familial, susceptibility to, 1 (BROVCA1). Also called: OVARIAN CANCER, SUSCEPTIBILITY TO; BRCA1 Hereditary Breast and Ovarian Cancer. Identifiers: Orphanet 145, MedGen C2676676, MONDO:0011450, OMIM 604370. Disease mechanism: loss of function.

Submissions (6):

Evidence-based Network for the Interpretation of Germline Mutant Alleles (ENIGMA)
Classification: Likely benign for Breast-ovarian cancer, familial, susceptibility to, 1. Last evaluated: 2017-06-29. Review status: reviewed by expert panel. Criteria: ENIGMA BRCA1/2 Classification Criteria (2017-06-29). Collection method: curation. Allele origin: germline.
Comment: Synonymous substitution variant, with low bioinformatic likelihood to result in a splicing aberration (Splicing prior probability 0.02).

Labcorp Genetics (formerly Invitae), Labcorp
Classification: Likely benign for Hereditary breast ovarian cancer syndrome. Last evaluated: 2024-06-12. Review status: criteria provided, single submitter. Criteria: Invitae Variant Classification Sherloc (09022015). Collection method: clinical testing. Allele origin: germline. Not counted in ClinVar's aggregate classification.

Ambry Genetics
Classification: Likely benign for Hereditary cancer-predisposing syndrome. Last evaluated: 2019-03-20. Review status: criteria provided, single submitter. Criteria: Ambry Variant Classification Scheme 2023. Collection method: clinical testing. Allele origin: germline. Not counted in ClinVar's aggregate classification.

Breast Cancer Information Core (BIC) (BRCA1)
Classification: Uncertain significance for Breast-ovarian cancer, familial 1. Last evaluated: 2001-10-12. Review status: no assertion criteria provided. Collection method: clinical testing. Allele origin: germline. Affected: yes. Observed: 1 variant allele. Not counted in ClinVar's aggregate classification.

Clinical Genetics Laboratory, Department of Pathology, Netherlands Cancer Institute
Classification: Likely benign. Review status: no assertion criteria provided. Collection method: clinical testing. Allele origin: germline. Affected: yes. Study: VKGL Data-share Consensus. Not counted in ClinVar's aggregate classification.

Joint Genome Diagnostic Labs from Nijmegen and Maastricht, Radboudumc and MUMC+
Classification: Likely benign. Review status: no assertion criteria provided. Collection method: clinical testing. Allele origin: germline. Affected: yes. Study: VKGL Data-share Consensus. Not counted in ClinVar's aggregate classification.

NM_007294.4(BRCA1):c.3426A>G (p.Ala1142=)

Genes: BRCA1 (BRCA1 DNA repair associated; minus strand), LOC126862571 (BRD4-independent group 4 enhancer GRCh37_chr17:41243136-41244335; plus strand). Cytogenetic location: 17q21.31.
Variant type: single nucleotide variant.
Coding change: c.3426A>G on transcript NM_007294.4 (MANE Select); coding-DNA position 3426, A replaced by G.
Protein change: p.Ala1142=; no amino-acid change (alanine 1142 retained).
Molecular consequence: synonymous variant. On other transcripts: intron variant (135).
Genome position (GRCh38, 1-based): chr17:43,092,105, T>C on the plus strand (A>G on the coding strand, the complement: BRCA1 is on the minus strand). VCF-style: chr17-43092105-T-C. GRCh37 (hg19) VCF-style: chr17-41244122-T-C.
Other names: A1142A; c.3213A>G, p.Ala1071= (NM_001407571.1, NM_001407853.1, NM_001407894.1 and 9 more transcripts); c.3426A>G, p.Ala1142= (NM_001407581.1, NM_001407582.1, NM_001407583.1 and 30 more transcripts); c.3423A>G, p.Ala1141= (NM_001407587.1, NM_001407590.1, NM_001407591.1 and 22 more transcripts); c.3417A>G, p.Ala1139= (NM_001407646.1, NM_001407647.1); c.3303A>G, p.Ala1101= (NM_001407648.1, NM_001407664.1, NM_001407665.1 and 19 more transcripts); c.3300A>G, p.Ala1100= (NM_001407649.1, NM_001407670.1, NM_001407671.1 and 11 more transcripts); c.3348A>G, p.Ala1116= (NM_001407653.1, NM_001407654.1, NM_001407655.1 and 4 more transcripts); and 42 more.
Identifiers: ClinVar variation 54879 (VCV000054879.20), dbSNP rs80356843, ClinGen allele CA002216.